The following is an entry in ClinVar:

NM_000350.3(ABCA4):c.5312+2T>C

Gene: ABCA4 (ATP binding cassette subfamily A member 4; minus strand). Cytogenetic location: 1p22.1.
Variant type: single nucleotide variant.
Coding change: c.5312+2T>C on transcript NM_000350.3 (MANE Select); the canonical splice donor site of the intron after coding-DNA position 5312, T replaced by C.
Molecular consequence: splice donor variant.
Genome position (GRCh38, 1-based): chr1:94,015,737, A>G on the plus strand (T>C on the coding strand, the complement: ABCA4 is on the minus strand). VCF-style: chr1-94015737-A-G. GRCh37 (hg19) VCF-style: chr1-94481293-A-G.
Identifiers: ClinVar variation 2819458 (VCV002819458.4), dbSNP rs1307108997, ClinGen allele CA341281542.

ClinVar aggregate classification (germline): Pathogenic. Review status: criteria provided, multiple submitters, no conflicts (2 of 4 stars). 2 submissions from 2 submitters: Pathogenic (2). Last evaluated 2023-09-12.

Conditions:
ABCA4-related disorder. Also called: ABCA4-related condition; ABCA4-related disorders. Identifiers: MedGen CN239167.

Submissions (2):

Labcorp Genetics (formerly Invitae), Labcorp
Classification: Pathogenic. Last evaluated: 2023-09-12. Review status: criteria provided, single submitter. Criteria: Invitae Variant Classification Sherloc (09022015). Collection method: clinical testing. Allele origin: germline.
Comment: For these reasons, this variant has been classified as Pathogenic. Studies have shown that disruption of this splice site alters mRNA splicing and is expected to lead to the loss of protein expression (PMID: 28118664). Disruption of this splice site has been observed in individuals with Stargardt disease (PMID: 26593885, 28118664, 29925512). This variant is not present in population databases (gnomAD no frequency). This sequence change affects a donor splice site in intron 37 of the ABCA4 gene. It is expected to disrupt RNA splicing. Variants that disrupt the donor or acceptor splice site typically lead to a loss of protein function (PMID: 16199547), and loss-of-function variants in ABCA4 are known to be pathogenic (PMID: 10958761, 24938718, 25312043, 26780318).

Blueprint Genetics
Classification: Pathogenic for ABCA4-related disorders. Last evaluated: 2022-08-03. Review status: criteria provided, single submitter. Criteria: ACMG Guidelines, 2015. Collection method: clinical testing. Allele origin: germline. Affected: yes. Observed: 3 variant alleles.

Literature cited by the submitters: PubMed 28118664 (cited by Labcorp Genetics (formerly Invitae), Labcorp); PubMed 26593885 (cited by Labcorp Genetics (formerly Invitae), Labcorp); PubMed 29925512 (cited by Labcorp Genetics (formerly Invitae), Labcorp); PubMed 16199547 (cited by Labcorp Genetics (formerly Invitae), Labcorp); PubMed 10958761 (cited by Labcorp Genetics (formerly Invitae), Labcorp); PubMed 24938718 (cited by Labcorp Genetics (formerly Invitae), Labcorp); PubMed 25312043 (cited by Labcorp Genetics (formerly Invitae), Labcorp); PubMed 26780318 (cited by Labcorp Genetics (formerly Invitae), Labcorp).